The following is an entry in ClinVar:

ClinVar aggregate classification (germline): Likely pathogenic (1 of 4 stars; one submission).

Conditions:
Wilson disease (WND). Also called: Wilson's disease. Identifiers: Orphanet 905, MedGen C0019202, MONDO:0010200, OMIM 277900. Disease mechanism: loss of function.

Allele frequency attached by ClinVar (database versions not stated): gnomAD exomes below 0.00001.
gnomAD v4.1: 2 of 1,612,902 alleles (0.00012%); highest among the groups gnomAD compares: Non-Finnish European, 0.00017%; no homozygotes.

Submission:

Labcorp Genetics (formerly Invitae), Labcorp
Classification: Likely pathogenic for Wilson disease. Last evaluated: 2021-05-12. Review status: criteria provided, single submitter. Criteria: Invitae Variant Classification Sherloc (09022015). Collection method: clinical testing. Allele origin: germline.
Comment: In summary, the currently available evidence indicates that the variant is pathogenic, but additional data are needed to prove that conclusively. Therefore, this variant has been classified as Likely Pathogenic. Algorithms developed to predict the effect of sequence changes on RNA splicing suggest that this variant may disrupt the consensus splice site, but this prediction has not been confirmed by published transcriptional studies. This variant has been observed in individual(s) with Wilson disease (PMID: 17317524). This variant is not present in population databases (ExAC no frequency). This sequence change affects an acceptor splice site in intron 6 of the ATP7B gene. It is expected to disrupt RNA splicing. Variants that disrupt the donor or acceptor splice site typically lead to a loss of protein function (PMID: 16199547), and loss-of-function variants in ATP7B are known to be pathogenic (PMID: 10441329, 16283883).

Literature cited by the submitters: PubMed 17317524; PubMed 16199547; PubMed 10441329; PubMed 16283883.

NM_000053.4(ATP7B):c.1947-1G>C

Gene: ATP7B (ATPase copper transporting beta; minus strand). Cytogenetic location: 13q14.3.
Variant type: single nucleotide variant.
Coding change: c.1947-1G>C on transcript NM_000053.4 (MANE Select); the canonical splice acceptor site of the intron before coding-DNA position 1947, G replaced by C.
Molecular consequence: splice acceptor variant. On other transcripts: intron variant (13).
Genome position (GRCh38, 1-based): chr13:51,960,323, C>G on the plus strand (G>C on the coding strand, the complement: ATP7B is on the minus strand). VCF-style: chr13-51960323-C-G. GRCh37 (hg19) VCF-style: chr13-52534459-C-G.
Other names: c.1947-1G>C (NM_001330578.2, NM_001406520.1, NM_001406535.1 and 16 more transcripts); c.1851-1G>C (NM_001406518.1, NM_001406536.1, NM_001406530.1 and 1 more transcripts); c.1518-1G>C (NM_001406539.1); c.1774-2716G>C (NM_001406544.1); c.1870-2716G>C (NM_001406541.1, NM_001005918.3, NM_001406546.1 and 1 more transcripts); c.1870-1779G>C (NM_001406531.1, NM_001406532.1, NM_001406540.1 and 1 more transcripts); c.1774-1779G>C (NM_001406543.1); c.1614-1G>C (NM_001243182.2); and 3 more.
Identifiers: ClinVar variation 1514262 (VCV001514262.8), dbSNP rs1405260211, ClinGen allele CA388026193.